The following is an entry in ClinVar:

ClinVar aggregate classification (germline): Likely benign (1 of 4 stars; one submission).

Submission:

CeGaT Center for Human Genetics Tuebingen
Classification: Likely benign. Last evaluated: 2025-05-01. Review status: criteria provided, single submitter. Criteria: CeGaT Center For Human Genetics Tuebingen Variant Classification Criteria Version 2. Collection method: clinical testing. Allele origin: germline. Affected: yes. Observed: 1 variant allele.
Comment: HRNR: BP4, BP7

NM_001009931.3(HRNR):c.5220C>T (p.Ser1740=)

Genes: CCDST (cervical cancer associated DHX9 suppressive transcript; plus strand), HRNR (hornerin; minus strand). Cytogenetic location: 1q21.3.
Variant type: single nucleotide variant.
Coding change: c.5220C>T on transcript NM_001009931.3 (MANE Select); coding-DNA position 5220, C replaced by T.
Protein change: p.Ser1740=; no amino-acid change (serine 1740 retained).
Molecular consequence: synonymous variant.
Genome position (GRCh38, 1-based): chr1:152,216,409, G>A on the plus strand (C>T on the coding strand, the complement: HRNR is on the minus strand). VCF-style: chr1-152216409-G-A. GRCh37 (hg19) VCF-style: chr1-152188885-G-A.
Identifiers: ClinVar variation 3905089 (VCV003905089.10).